The following is an entry in ClinVar:

ClinVar aggregate classification (germline): Uncertain significance. Review status: criteria provided, multiple submitters, no conflicts (2 of 4 stars). 3 submissions from 3 submitters: Uncertain significance (2). 1 of the submissions does not count toward it. Last evaluated 2021-08-02.

Allele frequency attached by ClinVar (database versions not stated): gnomAD 0.00003 and 0.00004; TOPMed 0.00008; gnomAD exomes 0.00009; ExAC 0.00010.
gnomAD v4.1: 54 of 1,611,904 alleles (0.0034%); highest among the groups gnomAD compares: Admixed American, 0.037%; 1 homozygote.

Submissions (3):

Blueprint Genetics
Classification: Uncertain significance. Last evaluated: 2021-08-02. Review status: criteria provided, single submitter. Criteria: ACMG Guidelines, 2015. Collection method: clinical testing. Allele origin: germline.

Breakthrough Genomics
Classification: Uncertain significance. Review status: criteria provided, single submitter. Criteria: ACMG Guidelines, 2015. Collection method: not provided. Allele origin: germline. Inheritance: Autosomal dominant inheritance. Affected: yes.

Department of Pathology and Laboratory Medicine, Sinai Health System
Classification: Uncertain significance. Review status: no assertion criteria provided. Collection method: clinical testing. Allele origin: unknown. Affected: yes. Study: The Canadian Open Genetics Repository (COGR). Not counted in ClinVar's aggregate classification.
Comment: The NLRP7 p.Thr414Met variant was not identified in the literature nor was it identified in ClinVar. The variant was identified in dbSNP (ID: rs757670306) and in control databases in 24 of 274392 chromosomes at a frequency of 0.00008747 (Genome Aggregation Database March 6, 2019, v2.1.1). The variant was observed in the following populations: Latino in 17 of 35148 chromosomes (freq: 0.000484), Other in 2 of 7054 chromosomes (freq: 0.000284), South Asian in 1 of 30396 chromosomes (freq: 0.000033) and European (non-Finnish) in 4 of 123684 chromosomes (freq: 0.000032), but was not observed in the African, Ashkenazi Jewish, East Asian, or European (Finnish) populations. The p.Thr414 residue is not conserved in mammals and computational analyses (PolyPhen-2, SIFT, AlignGVGD, BLOSUM, MutationTaster) provide inconsistent predictions regarding the impact to the protein; this information is not very predictive of pathogenicity. The variant occurs outside of the splicing consensus sequence and in silico or computational prediction software programs (SpliceSiteFinder, MaxEntScan, NNSPLICE, GeneSplicer) do not predict a difference in splicing. In summary, based on the above information the clinical significance of this variant cannot be determined with certainty at this time. This variant is classified as a variant of uncertain significance.

NM_001127255.2(NLRP7):c.1241C>T (p.Thr414Met)

Gene: NLRP7 (NLR family pyrin domain containing 7; minus strand). Cytogenetic location: 19q13.42.
Variant type: single nucleotide variant.
Coding change: c.1241C>T on transcript NM_001127255.2 (MANE Select); coding-DNA position 1241, C replaced by T.
Protein change: p.Thr414Met; replaces threonine 414 with methionine.
Molecular consequence: missense variant.
Genome position (GRCh38, 1-based): chr19:54,939,578, G>A on the plus strand (C>T on the coding strand, the complement: NLRP7 is on the minus strand). VCF-style: chr19-54939578-G-A. GRCh37 (hg19) VCF-style: chr19-55450946-G-A.
Other names: c.1241C>T, p.Thr414Met (NM_001405531.1, NM_139176.4, NM_206828.4); short protein forms T414M.
Identifiers: ClinVar variation 1050426 (VCV001050426.5), dbSNP rs757670306, ClinGen allele CA310018222.